The following is an entry in ClinVar:

NM_025114.4(CEP290):c.2668C>T (p.Gln890Ter)

Gene: CEP290 (centrosomal protein 290; minus strand). Cytogenetic location: 12q21.32.
Variant type: single nucleotide variant.
Coding change: c.2668C>T on transcript NM_025114.4 (MANE Select); coding-DNA position 2668, C replaced by T.
Protein change: p.Gln890Ter; replaces glutamine 890 with a stop codon.
Molecular consequence: nonsense.
Genome position (GRCh38, 1-based): chr12:88,106,824, G>A on the plus strand (C>T on the coding strand, the complement: CEP290 is on the minus strand). VCF-style: chr12-88106824-G-A. GRCh37 (hg19) VCF-style: chr12-88500601-G-A.
Other names: short protein forms Q890*.
Identifiers: ClinVar variation 290022 (VCV000290022.11), dbSNP rs886044332, ClinGen allele CA10606630.

ClinVar aggregate classification (germline): Pathogenic. Review status: criteria provided, multiple submitters, no conflicts (2 of 4 stars). 2 submissions from 2 submitters: Pathogenic (2). Last evaluated 2024-10-23.

Conditions:
Meckel-Gruber syndrome. Also called: Dysencephalia splachnocystica; DYSENCEPHALIA SPLANCHNOCYSTICA; GRUBER SYNDROME. Identifiers: Orphanet 564, MedGen C0265215, MONDO:0018921.
Nephronophthisis. Also called: Juvenile Nephronophthisis. Identifiers: Orphanet 655, MedGen C0687120, MONDO:0019005, HP:0000090.
Joubert syndrome. Also called: Familial aplasia of the vermis; CEREBELLOPARENCHYMAL DISORDER IV; JOUBERT-BOLTSHAUSER SYNDROME. Identifiers: Orphanet 475, MedGen C5979921, MONDO:0018772.

Submissions (2):

Labcorp Genetics (formerly Invitae), Labcorp
Classification: Pathogenic for Joubert syndrome; Meckel-Gruber syndrome; Nephronophthisis. Last evaluated: 2024-10-23. Review status: criteria provided, single submitter. Criteria: Invitae Variant Classification Sherloc (09022015). Collection method: clinical testing. Allele origin: germline.
Comment: This sequence change creates a premature translational stop signal (p.Gln890*) in the CEP290 gene. It is expected to result in an absent or disrupted protein product. Loss-of-function variants in CEP290 are known to be pathogenic (PMID: 16909394, 17345604, 20690115). This variant is not present in population databases (gnomAD no frequency). This variant has not been reported in the literature in individuals affected with CEP290-related conditions. ClinVar contains an entry for this variant (Variation ID: 290022). Algorithms developed to predict the effect of sequence changes on RNA splicing suggest that this variant may disrupt the consensus splice site. For these reasons, this variant has been classified as Pathogenic.

Eurofins Ntd Llc (ga)
Classification: Pathogenic. Last evaluated: 2016-08-08. Review status: criteria provided, single submitter. Criteria: EGL Classification Definitions 2015. Collection method: clinical testing. Allele origin: germline. Observed: 1 variant allele, 1 heterozygote.

Literature cited by the submitters: PubMed 16909394 (cited by Labcorp Genetics (formerly Invitae), Labcorp); PubMed 17345604 (cited by Labcorp Genetics (formerly Invitae), Labcorp); PubMed 20690115 (cited by Labcorp Genetics (formerly Invitae), Labcorp).